The following is an entry in ClinVar:

NM_001145252.3(CFP):c.659G>A (p.Arg220Gln)

Gene: CFP (complement factor properdin; minus strand). Cytogenetic location: Xp11.23.
Variant type: single nucleotide variant.
Coding change: c.659G>A on transcript NM_001145252.3 (MANE Select); coding-DNA position 659, G replaced by A.
Protein change: p.Arg220Gln; replaces arginine 220 with glutamine.
Molecular consequence: missense variant.
Genome position (GRCh38, 1-based): chrX:47,627,248, C>T on the plus strand (G>A on the coding strand, the complement: CFP is on the minus strand). VCF-style: chrX-47627248-C-T. GRCh37 (hg19) VCF-style: chrX-47486647-C-T.
Other names: c.659G>A, p.Arg220Gln (NM_002621.2); short protein forms R220Q.
Identifiers: ClinVar variation 4752977 (VCV004752977.1).
Genomic context (GRCh38, chrX:47,627,248, plus strand): 5'-CCCGGGCAGGGCTTCCCAGGAGGTTTCTGGGAGGGCTCAGGTGCAGAACACTTGCGGCTT[C>T]GTGTCTCCTTAGGTTCGTGGGGTCCACCGTGGCAGGAGGCTGAGCAGGGGGTCCAGGGGC-3'
Protein context (NP_001138724.1, residues 210-230): HGGPHEPKET[Arg220Gln]SRKCSAPEPS

ClinVar aggregate classification (germline): Uncertain significance (1 of 4 stars; one submission).

gnomAD v4.1: 7 of 1,211,016 alleles (0.00058%); highest among the groups gnomAD compares: South Asian, 0.0018%; no homozygotes.

Submission:

Labcorp Genetics (formerly Invitae), Labcorp
Classification: Uncertain significance. Last evaluated: 2025-08-25. Review status: criteria provided, single submitter. Criteria: Invitae Variant Classification Sherloc (09022015). Collection method: clinical testing. Allele origin: germline.
Comment: This sequence change replaces arginine, which is basic and polar, with glutamine, which is neutral and polar, at codon 220 of the CFP protein (p.Arg220Gln). This variant is present in population databases (rs762231424, gnomAD 0.005%). This variant has not been reported in the literature in individuals affected with CFP-related conditions. Invitae Evidence Modeling of protein sequence and biophysical properties (such as structural, functional, and spatial information, amino acid conservation, physicochemical variation, residue mobility, and thermodynamic stability) indicates that this missense variant is expected to disrupt CFP protein function with a positive predictive value of 80%. In summary, the available evidence is currently insufficient to determine the role of this variant in disease. Therefore, it has been classified as a Variant of Uncertain Significance.